The following is an entry in ClinVar:

NM_000037.4(ANK1):c.2296-2A>G

Gene: ANK1 (ankyrin 1; minus strand). Cytogenetic location: 8p11.21.
Variant type: single nucleotide variant.
Coding change: c.2296-2A>G on transcript NM_000037.4 (MANE Select); the canonical splice acceptor site of the intron before coding-DNA position 2296, A replaced by G.
Molecular consequence: splice acceptor variant.
Genome position (GRCh38, 1-based): chr8:41,702,146, T>C on the plus strand (A>G on the coding strand, the complement: ANK1 is on the minus strand). VCF-style: chr8-41702146-T-C. GRCh37 (hg19) VCF-style: chr8-41559664-T-C.
Other names: p.?; c.2395-2A>G (NM_001142446.2); c.2296-2A>G (NM_020477.3, NM_020475.3, NM_020476.3).
Identifiers: ClinVar variation 2431962 (VCV002431962.8), dbSNP rs2486823536, ClinGen allele CA371065542.

ClinVar aggregate classification (germline): Pathogenic/Likely pathogenic. Review status: criteria provided, multiple submitters, no conflicts (2 of 4 stars). 5 submissions from 5 submitters: Pathogenic (2); Likely pathogenic (3). Last evaluated 2026-04-14.

Conditions:
Hereditary spherocytosis type 1. Also called: Spherocytosis type 1; ANK1-Related Spherocytosis. Identifiers: Orphanet 822, MedGen C2674218, MONDO:0008447, OMIM 182900.

Submissions (5):

GeneDx
Classification: Likely pathogenic. Last evaluated: 2026-04-14. Review status: criteria provided, single submitter. Criteria: GeneDx Variant Classification Process June 2021. Collection method: clinical testing. Allele origin: germline.
Comment: Canonical splice site variant predicted to result in an in-frame loss of the adjacent exon in a gene for which loss of function is a known mechanism of disease; Not observed at significant frequency in large population cohorts (gnomAD); This variant is associated with the following publications: (PMID: Bhargavi2025[CaseReport], 33868383)

Revvity Omics, Revvity
Classification: Pathogenic for Hereditary spherocytosis type 1. Last evaluated: 2024-12-26. Review status: criteria provided, single submitter. Criteria: ACMG Guidelines, 2015. Collection method: clinical testing. Allele origin: germline.

Labcorp Genetics (formerly Invitae), Labcorp
Classification: Likely pathogenic. Last evaluated: 2024-07-15. Review status: criteria provided, single submitter. Criteria: Invitae Variant Classification Sherloc (09022015). Collection method: clinical testing. Allele origin: germline.
Comment: This sequence change affects an acceptor splice site in intron 20 of the ANK1 gene. It is expected to disrupt RNA splicing. Variants that disrupt the donor or acceptor splice site typically lead to a loss of protein function (PMID: 16199547), and loss-of-function variants in ANK1 are known to be pathogenic (PMID: 8640229). This variant is not present in population databases (gnomAD no frequency). Disruption of this splice site has been observed in individual(s) with clinical features of spherocytosis (PMID: 33868383). This variant is also known as c.2395-2A>G. ClinVar contains an entry for this variant (Variation ID: 2431962). Algorithms developed to predict the effect of sequence changes on RNA splicing suggest that this variant may disrupt the consensus splice site. In summary, the currently available evidence indicates that the variant is pathogenic, but additional data are needed to prove that conclusively. Therefore, this variant has been classified as Likely Pathogenic.

Mayo Clinic Laboratories, Mayo Clinic
Classification: Likely pathogenic. Last evaluated: 2024-07-10. Review status: criteria provided, single submitter. Criteria: ACMG Guidelines, 2015. Collection method: clinical testing. Allele origin: germline. Observed: 1 variant allele.
Comment: PM2_moderate, PVS1_strong

ARUP Laboratories, Molecular Genetics and Genomics, ARUP Laboratories
Classification: Pathogenic for Hereditary spherocytosis type 1. Last evaluated: 2023-09-08. Review status: criteria provided, single submitter. Criteria: ARUP Molecular Germline Variant Investigation Process 2024. Collection method: clinical testing. Allele origin: germline.
Comment: The ANK1 c.2296-2A>G variant is reported in the literature in one individual affected with hereditary spherocytosis (Wu 2021). This variant is also reported in ClinVar (Variation ID: 2431962). This variant is absent from the Genome Aggregation Database, indicating it is not a common polymorphism. This variant disrupts the canonical splice acceptor site of intron 20, which is likely to negatively impact gene function. Based on available information, this variant is considered to be pathogenic. REFERENCES Wu C et al. Preliminary Study on the Clinical and Genetic Characteristics of Hereditary Spherocytosis in 15 Chinese Children. Front Genet. 2021 PMID: 33868383

Literature cited by the submitters: PubMed 16199547 (cited by Labcorp Genetics (formerly Invitae), Labcorp); PubMed 8640229 (cited by Labcorp Genetics (formerly Invitae), Labcorp); PubMed 33868383 (cited by Labcorp Genetics (formerly Invitae), Labcorp and Mayo Clinic Laboratories, Mayo Clinic); PubMed 26830532 (cited by Mayo Clinic Laboratories, Mayo Clinic); PubMed 32436265 (cited by Mayo Clinic Laboratories, Mayo Clinic).